The following is an entry in ClinVar:

NM_001357.5(DHX9):c.2171A>G (p.Asp724Gly)

Gene: DHX9 (DExH-box helicase 9; plus strand). Cytogenetic location: 1q25.3.
Variant type: single nucleotide variant.
Coding change: c.2171A>G on transcript NM_001357.5 (MANE Select); coding-DNA position 2171, A replaced by G.
Protein change: p.Asp724Gly; replaces aspartic acid 724 with glycine.
Molecular consequence: missense variant. On other transcripts: non-coding transcript variant (1).
Genome position (GRCh38, 1-based): chr1:182,876,876, A>G. VCF-style: chr1-182876876-A-G. GRCh37 (hg19) VCF-style: chr1-182846011-A-G.
Other names: short protein forms D724G.
Identifiers: ClinVar variation 2579326 (VCV002579326.1), dbSNP rs2526436180, ClinGen allele CA343661896.

ClinVar aggregate classification (germline): Uncertain significance (1 of 4 stars; one submission).

Submission:

GeneDx
Classification: Uncertain significance. Last evaluated: 2022-05-16. Review status: criteria provided, single submitter. Criteria: GeneDx Variant Classification Process June 2021. Collection method: clinical testing. Allele origin: germline. Affected: yes.
Comment: Not observed at significant frequency in large population cohorts (gnomAD); In silico analysis supports that this missense variant has a deleterious effect on protein structure/function; Has not been previously published as pathogenic or benign to our knowledge; Variants in candidate genes are classified as variants of uncertain significance in accordance with ACMG guidelines (Richards et al., 2015)